The following is an entry in ClinVar:

NM_000090.4(COL3A1):c.1816-2A>G

Gene: COL3A1 (collagen type III alpha 1 chain; plus strand). Cytogenetic location: 2q32.2.
Variant type: single nucleotide variant.
Coding change: c.1816-2A>G on transcript NM_000090.4 (MANE Select); the canonical splice acceptor site of the intron before coding-DNA position 1816, A replaced by G.
Molecular consequence: splice acceptor variant.
Genome position (GRCh38, 1-based): chr2:188,997,334, A>G. VCF-style: chr2-188997334-A-G. GRCh37 (hg19) VCF-style: chr2-189862060-A-G.
Identifiers: ClinVar variation 2883994 (VCV002883994.3), dbSNP rs2469138091, ClinGen allele CA349853360.

ClinVar aggregate classification (germline): Likely pathogenic (1 of 4 stars; one submission).

Conditions:
Ehlers-Danlos syndrome, type 4 (EDSVASC). Also called: Ehlers-Danlos syndrome vascular type; Ehlers Danlos syndrome, ecchymotic type; Ehlers Danlos syndrome, arterial type; Ehlers Danlos syndrome, Sack-Barabas type; Ehlers-Danlos Syndrome Type IV. Identifiers: Orphanet 286, MedGen C0268338, MONDO:0017314, OMIM 130050.

Submission:

Labcorp Genetics (formerly Invitae), Labcorp
Classification: Likely pathogenic for Ehlers-Danlos syndrome, type 4. Last evaluated: 2023-01-20. Review status: criteria provided, single submitter. Criteria: Invitae Variant Classification Sherloc (09022015). Collection method: clinical testing. Allele origin: germline.
Comment: In summary, the currently available evidence indicates that the variant is pathogenic, but additional data are needed to prove that conclusively. Therefore, this variant has been classified as Likely Pathogenic. Algorithms developed to predict the effect of sequence changes on RNA splicing suggest that this variant may disrupt the consensus splice site. Disruption of this splice site has been observed in individual(s) with clinical features of vascular Ehlers-Danlos syndrome and/or vascular Ehlers-Danlos syndrome (PMID: 30474650, 30919682; Invitae). This variant is not present in population databases (gnomAD no frequency). This sequence change affects an acceptor splice site in intron 25 of the COL3A1 gene. It is expected to disrupt RNA splicing. Variants that disrupt the donor or acceptor splice site typically lead to a loss of protein function (PMID: 16199547), and loss-of-function variants in COL3A1 are known to be pathogenic (PMID: 24922459).

Literature cited by the submitters: PubMed 30474650; PubMed 30919682; PubMed 16199547; PubMed 24922459.